The following is an entry in ClinVar:

ClinVar aggregate classification (germline): Pathogenic (1 of 4 stars; one submission).

Submission:

GeneDx
Classification: Pathogenic. Last evaluated: 2024-12-16. Review status: criteria provided, single submitter. Criteria: GeneDx Variant Classification Process June 2021. Collection method: clinical testing. Allele origin: germline. Affected: yes.
Comment: Not observed at significant frequency in large population cohorts (gnomAD); In silico analysis supports that this missense variant has a deleterious effect on protein structure/function; This variant is associated with the following publications: (PMID: 33802230, 35468861, 35982159, 33057194)

NM_004974.4(KCNA2):c.869T>C (p.Leu290Pro)

Gene: KCNA2 (potassium voltage-gated channel subfamily A member 2; minus strand). Cytogenetic location: 1p13.3.
Variant type: single nucleotide variant.
Coding change: c.869T>C on transcript NM_004974.4 (MANE Select); coding-DNA position 869, T replaced by C.
Protein change: p.Leu290Pro; replaces leucine 290 with proline.
Molecular consequence: missense variant.
Genome position (GRCh38, 1-based): chr1:110,603,914, A>G on the plus strand (T>C on the coding strand, the complement: KCNA2 is on the minus strand). VCF-style: chr1-110603914-A-G. GRCh37 (hg19) VCF-style: chr1-111146536-A-G.
Other names: c.869T>C, p.Leu290Pro (NM_001204269.2); short protein forms L290P.
Identifiers: ClinVar variation 426735 (VCV000426735.3), dbSNP rs1085307768, ClinGen allele CA341602976.